The following is an entry in ClinVar:

ClinVar aggregate classification (germline): Pathogenic (1 of 4 stars; one submission).

Conditions:
RYR1-related disorder. Also called: RYR1-related condition; RYR1-related disorders. Identifiers: MedGen CN239331.

Submission:

Labcorp Genetics (formerly Invitae), Labcorp
Classification: Pathogenic for RYR1-related disorder. Last evaluated: 2023-09-23. Review status: criteria provided, single submitter. Criteria: Invitae Variant Classification Sherloc (09022015). Collection method: clinical testing. Allele origin: germline.
Comment: This variant has not been reported in the literature in individuals affected with RYR1-related conditions. For these reasons, this variant has been classified as Pathogenic. This sequence change creates a premature translational stop signal (p.Leu3654Argfs*10) in the RYR1 gene. It is expected to result in an absent or disrupted protein product. Loss-of-function variants in RYR1 are known to be pathogenic (PMID: 23919265, 25960145, 28818389, 30611313). This variant is not present in population databases (gnomAD no frequency).

Literature cited by the submitters: PubMed 23919265; PubMed 25960145; PubMed 28818389; PubMed 30611313.

NM_000540.3(RYR1):c.10961del (p.Leu3654fs)

Gene: RYR1 (ryanodine receptor 1; plus strand). Cytogenetic location: 19q13.2.
Variant type: Deletion.
Coding change: c.10961del on transcript NM_000540.3 (MANE Select); coding-DNA position 10961, one base deleted (T; older notation c.10961delT).
Protein change: p.Leu3654fs; shifts the reading frame from leucine 3654.
Molecular consequence: frameshift variant.
Genome position (GRCh38, 1-based): chr19:38,528,622, T deleted. VCF-style (leftmost placement, unchanged base first): chr19-38528621-CT-C. GRCh37 (hg19) VCF-style: chr19-39019261-CT-C.
Other names: c.10946del, p.Leu3649fs (NM_001042723.2); short protein forms L3649fs, L3654fs.
Identifiers: ClinVar variation 2762979 (VCV002762979.3), dbSNP rs2514497218, ClinGen allele CA2697556579.
Genomic context (GRCh38, chr19:38,528,621, plus strand): 5'-AGGGCGCGTCCCAGTGACGTCACACCTCTCCCCTGCAGGCACCGGGCATGTAACATGTTC[CT>C]GGAGAGCTACAAGGCTGCATGGATCCTGACTGAAGACCACAGTTTTGAGGACCGCATGAT-3'